The following is an entry in ClinVar:

ClinVar aggregate classification (germline): Uncertain significance. Review status: criteria provided, multiple submitters, no conflicts (2 of 4 stars). 4 submissions from 4 submitters: Uncertain significance (4). Last evaluated 2022-10-31.

Conditions:
Familial hemophagocytic lymphohistiocytosis 3 (FHL3). Also called: UNC13D-Related Familial Hemophagocytic Lymphohistiocytosis (UNC13D-fHLH). Identifiers: Orphanet 540, MedGen C1837174, MONDO:0012146, OMIM 608898.

Allele frequency attached by ClinVar (database versions not stated): 1000 Genomes Project 30x 0.00016; 1000 Genomes Project 0.00020; ExAC below 0.00001; gnomAD 0.00003; TOPMed 0.00006; gnomAD exomes 0.00008.
gnomAD v4.1: 67 of 1,554,470 alleles (0.0043%); highest among the groups gnomAD compares: East Asian, 0.1%; no homozygotes.

Submissions (4):

Labcorp Genetics (formerly Invitae), Labcorp
Classification: Uncertain significance for Familial hemophagocytic lymphohistiocytosis 3. Last evaluated: 2022-10-31. Review status: criteria provided, single submitter. Criteria: Invitae Variant Classification Sherloc (09022015). Collection method: clinical testing. Allele origin: germline.
Comment: This sequence change replaces threonine, which is neutral and polar, with methionine, which is neutral and non-polar, at codon 1045 of the UNC13D protein (p.Thr1045Met). This variant is present in population databases (rs201146973, gnomAD 0.1%). This missense change has been observed in individual(s) with lymphoma and/or primary lymphohistiocytosis (PMID: 29113160, 29357941, 29665027, 30899265). ClinVar contains an entry for this variant (Variation ID: 626041). Advanced modeling of protein sequence and biophysical properties (such as structural, functional, and spatial information, amino acid conservation, physicochemical variation, residue mobility, and thermodynamic stability) performed at Invitae indicates that this missense variant is not expected to disrupt UNC13D protein function. In summary, the available evidence is currently insufficient to determine the role of this variant in disease. Therefore, it has been classified as a Variant of Uncertain Significance.

Women's Health and Genetics/Laboratory Corporation of America, LabCorp
Classification: Uncertain significance. Last evaluated: 2022-06-03. Review status: criteria provided, single submitter. Criteria: LabCorp Variant Classification Summary - May 2015. Collection method: clinical testing. Allele origin: germline.
Comment: Variant summary: UNC13D c.3134C>T (p.Thr1045Met) results in a non-conservative amino acid change in the encoded protein sequence. Three of five in-silico tools predict a benign effect of the variant on protein function. The variant allele was found at a frequency of 8.3e-05 in 155972 control chromosomes (gnomAD). This frequency is not significantly higher than expected for a pathogenic variant in UNC13D causing Familial Hemophagocytic Lymphohistiocytosis (8.3e-05 vs 0.0027), allowing no conclusion about variant significance. c.3134C>T has been reported in the literature in at least one compound heterozygous individual affected with Familial Hemophagocytic Lymphohistiocytosis (Jin_2018, Zhang_2018) and in one heterozygous individual with EBV-associated Hemophagocytic Lymphohistiocytosis (Guan_2021). These data do not allow any conclusion about variant significance. To our knowledge, no experimental evidence demonstrating an impact on protein function has been reported. Two ClinVar submitters have assessed the variant since 2014: both classified the variant as of uncertain significance. Based on the evidence outlined above, the variant was classified as uncertain significance.

Fulgent Genetics
Classification: Uncertain significance for Familial hemophagocytic lymphohistiocytosis 3. Last evaluated: 2022-03-16. Review status: criteria provided, single submitter. Criteria: ACMG Guidelines, 2015. Collection method: clinical testing. Allele origin: unknown.

Center for Genomics, Ann and Robert H. Lurie Children's Hospital of Chicago
Classification: Uncertain significance for Familial hemophagocytic lymphohistiocytosis 3. Last evaluated: 2021-03-30. Review status: criteria provided, single submitter. Criteria: ACMG Guidelines, 2015. Collection method: clinical testing. Allele origin: germline.
Comment: UNC13D NM_199242 exon 31 p.Thr1045Met (c.3134C>T): This variant has not been reported in the literature but is present in 0.1% (14/13026) of East Asian alleles in the Genome Aggregation Database. Evolutionary conservation and computational predictive tools for this variant are unclear. In summary, data on this variant is insufficient for disease classification. Therefore, the clinical significance of this variant is uncertain.

Literature cited by the submitters: PubMed 29113160 (cited by Labcorp Genetics (formerly Invitae), Labcorp); PubMed 29357941 (cited by Labcorp Genetics (formerly Invitae), Labcorp and Women's Health and Genetics/Laboratory Corporation of America, LabCorp); PubMed 29665027 (cited by Labcorp Genetics (formerly Invitae), Labcorp); PubMed 30899265 (cited by Labcorp Genetics (formerly Invitae), Labcorp); PubMed 34170459 (cited by Women's Health and Genetics/Laboratory Corporation of America, LabCorp); PubMed 32375849 (cited by Women's Health and Genetics/Laboratory Corporation of America, LabCorp).

NM_199242.3(UNC13D):c.3134C>T (p.Thr1045Met)

Gene: UNC13D (unc-13 homolog D; minus strand). Cytogenetic location: 17q25.1.
Variant type: single nucleotide variant.
Coding change: c.3134C>T on transcript NM_199242.3 (MANE Select); coding-DNA position 3134, C replaced by T.
Protein change: p.Thr1045Met; replaces threonine 1045 with methionine.
Molecular consequence: missense variant.
Genome position (GRCh38, 1-based): chr17:75,828,804, G>A on the plus strand (C>T on the coding strand, the complement: UNC13D is on the minus strand). VCF-style: chr17-75828804-G-A. GRCh37 (hg19) VCF-style: chr17-73824885-G-A.
Other names: short protein forms T1045M.
Identifiers: ClinVar variation 626041 (VCV000626041.7), dbSNP rs201146973, ClinGen allele CA8772267.
Genomic context (GRCh38, chr17:75,828,804, plus strand): 5'-AGGCTCCCGTCCCCGCACCACCCTGCCCTGGGCTCAGGCCTACCGTTGGGTGCGGGGTAC[G>A]TGAGGGGCAGGCGGGTCTGAGGCACCTCACCAGGCTCCTCAGAGCCACTCAGCCCGGGCA-3'
Protein context (NP_954712.1, residues 1035-1055): GEVPQTRLPL[Thr1045Met]YPAPNGDPIL